The following is an entry in ClinVar:

ClinVar aggregate classification (germline): Uncertain significance (1 of 4 stars; one submission).

gnomAD v4.1: 2 of 1,614,108 alleles (0.00012%); highest among the groups gnomAD compares: Non-Finnish European, 0.00017%; no homozygotes.

Submission:

Labcorp Genetics (formerly Invitae), Labcorp
Classification: Uncertain significance. Last evaluated: 2025-02-24. Review status: criteria provided, single submitter. Criteria: Invitae Variant Classification Sherloc (09022015). Collection method: clinical testing. Allele origin: germline.
Comment: This sequence change replaces glycine, which is neutral and non-polar, with cysteine, which is neutral and slightly polar, at codon 752 of the AUTS2 protein (p.Gly752Cys). This variant is not present in population databases (gnomAD no frequency). This variant has not been reported in the literature in individuals affected with AUTS2-related conditions. ClinVar contains an entry for this variant (Variation ID: 2097766). Invitae Evidence Modeling of protein sequence and biophysical properties (such as structural, functional, and spatial information, amino acid conservation, physicochemical variation, residue mobility, and thermodynamic stability) indicates that this missense variant is expected to disrupt AUTS2 protein function with a positive predictive value of 80%. In summary, the available evidence is currently insufficient to determine the role of this variant in disease. Therefore, it has been classified as a Variant of Uncertain Significance.

NM_015570.4(AUTS2):c.2254G>T (p.Gly752Cys)

Gene: AUTS2 (activator of transcription and developmental regulator AUTS2; plus strand). Cytogenetic location: 7q11.22.
Variant type: single nucleotide variant.
Coding change: c.2254G>T on transcript NM_015570.4 (MANE Select); coding-DNA position 2254, G replaced by T.
Protein change: p.Gly752Cys; replaces glycine 752 with cysteine.
Molecular consequence: missense variant.
Genome position (GRCh38, 1-based): chr7:70,785,984, G>T. VCF-style: chr7-70785984-G-T. GRCh37 (hg19) VCF-style: chr7-70250970-G-T.
Other names: c.2182G>T, p.Gly728Cys (NM_001127231.3); short protein forms G752C, G728C.
Identifiers: ClinVar variation 2097766 (VCV002097766.4), dbSNP rs2484919452, ClinGen allele CA367663687.